The following is an entry in ClinVar:

ClinVar aggregate classification (germline): Likely pathogenic (1 of 4 stars; one submission).

Conditions:
Woodhouse-Sakati syndrome. Also called: Hypogonadism, Alopecia, Diabetes Mellitus, Mental Retardation, and Extrapyramidal Syndrome; Hypogonadism, diabetes mellitus, alopecia, mental retardation and electrocardiographic abnormalities; EXTRAPYRAMIDAL DISORDER, PROGRESSIVE, WITH PRIMARY HYPOGONADISM, MENTAL RETARDATION, AND ALOPECIA. Identifiers: Orphanet 3464, MedGen C0342286, MONDO:0009419, OMIM 241080.

Submission:

Labcorp Genetics (formerly Invitae), Labcorp
Classification: Likely pathogenic for Woodhouse-Sakati syndrome. Last evaluated: 2023-10-26. Review status: criteria provided, single submitter. Criteria: Invitae Variant Classification Sherloc (09022015). Collection method: clinical testing. Allele origin: germline.
Comment: This sequence change affects a donor splice site in intron 1 of the DCAF17 gene. It is expected to disrupt RNA splicing. Variants that disrupt the donor or acceptor splice site typically lead to a loss of protein function (PMID: 16199547), and loss-of-function variants in DCAF17 are known to be pathogenic (PMID: 19026396, 20507343). This variant is not present in population databases (gnomAD no frequency). This variant has not been reported in the literature in individuals affected with DCAF17-related conditions. Algorithms developed to predict the effect of sequence changes on RNA splicing suggest that this variant may disrupt the consensus splice site. In summary, the currently available evidence indicates that the variant is pathogenic, but additional data are needed to prove that conclusively. Therefore, this variant has been classified as Likely Pathogenic.

Literature cited by the submitters: PubMed 16199547; PubMed 19026396; PubMed 20507343.

NM_025000.4(DCAF17):c.126+2T>G

Genes: DCAF17 (DDB1 and CUL4 associated factor 17; plus strand), METTL8 (methyltransferase 8, tRNA N3-cytidine; minus strand). Cytogenetic location: 2q31.1.
Variant type: single nucleotide variant.
Coding change: c.126+2T>G on transcript NM_025000.4 (MANE Select); the canonical splice donor site of the intron after coding-DNA position 126, T replaced by G.
Molecular consequence: splice donor variant. On other transcripts: 5 prime UTR variant (4), non-coding transcript variant (1).
Genome position (GRCh38, 1-based): chr2:171,434,705, T>G. VCF-style: chr2-171434705-T-G. GRCh37 (hg19) VCF-style: chr2-172291215-T-G.
Other names: c.-24A>C (NM_001321157.2, NM_001321158.2, NM_001321161.2); c.-44A>C (NM_024770.5); c.126+2T>G (NM_001164821.2).
Identifiers: ClinVar variation 2771010 (VCV002771010.3), dbSNP rs2529603438, ClinGen allele CA349598321.